The following is an entry in ClinVar:

NM_004369.4(COL6A3):c.4107C>T (p.Ile1369=)

Gene: COL6A3 (collagen type VI alpha 3 chain; minus strand). Cytogenetic location: 2q37.3.
Variant type: single nucleotide variant.
Coding change: c.4107C>T on transcript NM_004369.4 (MANE Select); coding-DNA position 4107, C replaced by T.
Protein change: p.Ile1369=; no amino-acid change (isoleucine 1369 retained).
Molecular consequence: synonymous variant.
Genome position (GRCh38, 1-based): chr2:237,371,910, G>A on the plus strand (C>T on the coding strand, the complement: COL6A3 is on the minus strand). VCF-style: chr2-237371910-G-A. GRCh37 (hg19) VCF-style: chr2-238280553-G-A.
Other names: p.Ile1369=; c.2886C>T, p.Ile962= (NM_057164.5); c.3489C>T, p.Ile1163= (NM_057165.5, NM_057167.4); c.2286C>T, p.Ile762= (NM_057166.5).
Identifiers: ClinVar variation 94928 (VCV000094928.58), dbSNP rs35114079, ClinGen allele CA147956.

ClinVar aggregate classification (germline): Benign/Likely benign. Review status: criteria provided, multiple submitters, no conflicts (2 of 4 stars). 10 submissions from 10 submitters: Benign (7); Likely benign (1). 2 of the submissions do not count toward it. Last evaluated 2026-09-01.

Conditions:
Collagen 6-related myopathy. Identifiers: MedGen CN117976, MONDO:0100225.
Bethlem myopathy 1A. Also called: Bethlem Muscular Dystrophy; MYOPATHY, BENIGN CONGENITAL, WITH CONTRACTURES; Bethlem myopathy 1. Identifiers: Orphanet 610, MedGen CN029274, MONDO:0024530, OMIM 158810.

Allele frequency attached by ClinVar (database versions not stated): ESP Exome Variant Server 0.00600; 1000 Genomes Project 30x 0.00265; 1000 Genomes Project 0.00280; gnomAD 0.00538 and 0.00549; TOPMed 0.00550.
gnomAD v4.1: 13,486 of 1,613,892 alleles (0.84%); highest among the groups gnomAD compares: Non-Finnish European, 1%; 70 homozygotes.

Submissions (10):

CeGaT Center for Human Genetics Tuebingen
Classification: Benign. Last evaluated: 2026-09-01. Review status: criteria provided, single submitter. Criteria: CeGaT Center For Human Genetics Tuebingen Variant Classification Criteria Version 2. Collection method: clinical testing. Allele origin: germline. Affected: yes. Observed: 30 variant alleles.
Comment: COL6A3: BP4, BP7, BS1, BS2

Labcorp Genetics (formerly Invitae), Labcorp
Classification: Benign for Bethlem myopathy 1A. Last evaluated: 2026-02-02. Review status: criteria provided, single submitter. Criteria: Invitae Variant Classification Sherloc (09022015). Collection method: clinical testing. Allele origin: germline.

Mayo Clinic Laboratories, Mayo Clinic
Classification: Benign. Last evaluated: 2021-06-01. Review status: criteria provided, single submitter. Criteria: ACMG Guidelines, 2015. Collection method: clinical testing. Allele origin: germline. Observed: 6 variant alleles.

GeneDx
Classification: Benign. Last evaluated: 2019-02-15. Review status: criteria provided, single submitter. Criteria: GeneDx Variant Classification Process June 2021. Collection method: clinical testing. Allele origin: germline. Affected: yes.

Illumina Laboratory Services, Illumina
Classification: Benign for Collagen VI-related myopathy. Last evaluated: 2018-01-13. Review status: criteria provided, single submitter. Criteria: ICSL Variant Classification Criteria 13 December 2019. Collection method: clinical testing. Allele origin: germline.
Comment: This variant was observed in the ICSL laboratory as part of a predisposition screen in an ostensibly healthy population. It had not been previously curated by ICSL or reported in the Human Gene Mutation Database (HGMD: prior to June 1st, 2018), and was therefore a candidate for classification through an automated scoring system. Utilizing variant allele frequency, disease prevalence and penetrance estimates, and inheritance mode, an automated score was calculated to assess if this variant is too frequent to cause the disease. Based on the score and internal cut-off values, a variant classified as benign is not then subjected to further curation. The score for this variant resulted in a classification of benign for this disease.

Eurofins Ntd Llc (ga)
Classification: Benign. Last evaluated: 2013-05-16. Review status: criteria provided, single submitter. Criteria: EGL Classification Definitions 2015. Collection method: clinical testing. Allele origin: germline. Observed: 1 variant allele, 1 heterozygote.

Breakthrough Genomics
Classification: Likely benign. Review status: criteria provided, single submitter. Criteria: ACMG Guidelines, 2015. Collection method: not provided. Allele origin: germline. Inheritance: Autosomal recessive inheritance. Affected: yes.

PreventionGenetics, part of Exact Sciences
Classification: Benign. Review status: criteria provided, single submitter. Criteria: ACMG Guidelines, 2015. Collection method: clinical testing. Allele origin: germline.

Clinical Genetics, Academic Medical Center
Classification: Benign. Review status: no assertion criteria provided. Collection method: clinical testing. Allele origin: germline. Affected: yes. Study: VKGL Data-share Consensus. Not counted in ClinVar's aggregate classification.

Laboratory of Diagnostic Genome Analysis, Leiden University Medical Center (LUMC)
Classification: Likely benign. Review status: no assertion criteria provided. Collection method: clinical testing. Allele origin: germline. Affected: yes. Study: VKGL Data-share Consensus. Not counted in ClinVar's aggregate classification.